The following is an entry in ClinVar:

ClinVar aggregate classification (germline): Conflicting classifications of pathogenicity. Review status: criteria provided, conflicting classifications (1 of 4 stars). 4 submissions from 4 submitters: Uncertain significance (3); Likely benign (1). Last evaluated 2026-01-26.

Conditions:
Hereditary cancer-predisposing syndrome. Also called: Hereditary neoplastic syndrome; Tumor predisposition; Hereditary Cancer Syndrome; Neoplastic Syndromes, Hereditary. Identifiers: Orphanet 140162, MedGen C0027672, MeSH D009386, MONDO:0015356.
BAP1-related tumor predisposition syndrome (TPDS1). Also called: BAP1 tumor predisposition syndrome; COMMON Syndrome; Tumor susceptibility linked to germline BAP1 mutations; TUMOR PREDISPOSITION SYNDROME 1. Identifiers: Orphanet 289539, MedGen C3280492, MONDO:0013692, OMIM 614327.

Allele frequency attached by ClinVar (database versions not stated): gnomAD exomes below 0.00001; ESP Exome Variant Server 0.00008.

Submissions (4):

Labcorp Genetics (formerly Invitae), Labcorp
Classification: Uncertain significance for BAP1-related tumor predisposition syndrome. Last evaluated: 2026-01-26. Review status: criteria provided, single submitter. Criteria: Invitae Variant Classification Sherloc (09022015). Collection method: clinical testing. Allele origin: germline.
Comment: This sequence change replaces alanine, which is neutral and non-polar, with threonine, which is neutral and polar, at codon 321 of the BAP1 protein (p.Ala321Thr). This variant is not present in population databases (gnomAD no frequency). This variant has not been reported in the literature in individuals affected with BAP1-related conditions. ClinVar contains an entry for this variant (Variation ID: 290276). Invitae Evidence Modeling of protein sequence and biophysical properties (such as structural, functional, and spatial information, amino acid conservation, physicochemical variation, residue mobility, and thermodynamic stability) indicates that this missense variant is not expected to disrupt BAP1 protein function with a negative predictive value of 80%. In summary, the available evidence is currently insufficient to determine the role of this variant in disease. Therefore, it has been classified as a Variant of Uncertain Significance.

Color Diagnostics, LLC DBA Color Health
Classification: Uncertain significance for Hereditary cancer-predisposing syndrome. Last evaluated: 2024-03-06. Review status: criteria provided, single submitter. Criteria: ACMG Guidelines, 2015. Collection method: clinical testing. Allele origin: germline.
Comment: This missense variant replaces alanine with threonine at codon 321 of the BAP1 protein. Computational prediction suggests that this variant may not impact protein structure and function (internally defined REVEL score threshold <= 0.5, PMID: 27666373). To our knowledge, functional studies have not been reported for this variant. This variant has not been reported in individuals affected with hereditary cancer in the literature. This variant has not been identified in the general population by the Genome Aggregation Database (gnomAD). The available evidence is insufficient to determine the role of this variant in disease conclusively. Therefore, this variant is classified as a Variant of Uncertain Significance.

Ambry Genetics
Classification: Likely benign for Hereditary cancer-predisposing syndrome. Last evaluated: 2020-10-19. Review status: criteria provided, single submitter. Criteria: Ambry Variant Classification Scheme 2023. Collection method: clinical testing. Allele origin: germline.

Eurofins Ntd Llc (ga)
Classification: Uncertain significance. Last evaluated: 2016-08-24. Review status: criteria provided, single submitter. Criteria: EGL Classification Definitions 2015. Collection method: clinical testing. Allele origin: germline. Observed: 1 variant allele, 1 heterozygote.

NM_004656.4(BAP1):c.961G>A (p.Ala321Thr)

Gene: BAP1 (BRCA1 associated deubiquitinase 1; minus strand). Cytogenetic location: 3p21.1.
Variant type: single nucleotide variant.
Coding change: c.961G>A on transcript NM_004656.4 (MANE Select); coding-DNA position 961, G replaced by A.
Protein change: p.Ala321Thr; replaces alanine 321 with threonine.
Molecular consequence: missense variant.
Genome position (GRCh38, 1-based): chr3:52,405,265, C>T on the plus strand (G>A on the coding strand, the complement: BAP1 is on the minus strand). VCF-style: chr3-52405265-C-T. GRCh37 (hg19) VCF-style: chr3-52439281-C-T.
Other names: short protein forms A321T.
Identifiers: ClinVar variation 290276 (VCV000290276.18), dbSNP rs143891879, ClinGen allele CA10606718.
Genomic context (GRCh38, chr3:52,405,265, plus strand): 5'-TGCCTGGAGGCTTCACCACTAGCTTGGGTTTGTTGGGAGGGCTGTGGGATGGGGCTTGTG[C>T]GCATGAACCAGCCGCCTCCTCTGCACCATCTGAGACAGGGCAAGAACACAGGCAGGACCT-3'
Protein context (NP_004647.1, residues 311-331): DGAEEAAGSC[Ala321Thr]QAPSHSPPNK